The following is an entry in ClinVar:

ClinVar aggregate classification (germline): Conflicting classifications of pathogenicity. Review status: criteria provided, conflicting classifications (1 of 4 stars). 10 submissions from 8 submitters: Uncertain significance (1); Likely benign (7). 2 of the submissions do not count toward it. Last evaluated 2026-01-26.

Conditions:
Acute febrile neutrophilic dermatosis (AFND). Also called: Sweet Syndrome; Gomm Button disease. Identifiers: Orphanet 3243, MedGen C0085077, MONDO:0011959, OMIM 608068.
Inborn genetic diseases. Identifiers: MedGen C0950123, MeSH D030342.
Familial Mediterranean fever, autosomal dominant. Also called: FMF, AUTOSOMAL DOMINANT; Dominant Familial Mediterranean Fever. Identifiers: Orphanet 342, MedGen C1851347, MONDO:0007601, OMIM 134610.
Familial Mediterranean fever (FMF). Also called: POLYSEROSITIS, FAMILIAL PAROXYSMAL; POLYSEROSITIS, RECURRENT; Periodic peritonitis; Benign paroxysmal peritonitis. Identifiers: Orphanet 342, MedGen C0031069, MONDO:0018088, OMIM 249100. Disease mechanism: gain of function.

Allele frequency attached by ClinVar (database versions not stated): gnomAD exomes 0.00009; ExAC 0.00013; TOPMed 0.00021; gnomAD 0.00029; 1000 Genomes Project 0.00040; ESP Exome Variant Server 0.00054; 1000 Genomes Project 30x 0.00062.
gnomAD v4.1: 85 of 1,605,450 alleles (0.0053%); highest among the groups gnomAD compares: African/African-American, 0.1%; no homozygotes.

Submissions (10):

Labcorp Genetics (formerly Invitae), Labcorp
Classification: Likely benign for Familial Mediterranean fever. Last evaluated: 2026-01-26. Review status: criteria provided, single submitter. Criteria: Invitae Variant Classification Sherloc (09022015). Collection method: clinical testing. Allele origin: germline.

Ambry Genetics
Classification: Likely benign for Inborn genetic diseases. Last evaluated: 2025-01-21. Review status: criteria provided, single submitter. Criteria: Ambry Variant Classification Scheme 2023. Collection method: clinical testing. Allele origin: germline.

Blueprint Genetics
Classification: Likely benign. Last evaluated: 2023-10-25. Review status: criteria provided, single submitter. Criteria: ACMG Guidelines, 2015. Collection method: clinical testing. Allele origin: germline.

Genome-Nilou Lab
Classification: Uncertain significance for Familial Mediterranean fever. Last evaluated: 2023-02-08. Review status: criteria provided, single submitter. Criteria: ACMG Guidelines, 2015. Collection method: clinical testing. Allele origin: germline.

Genome-Nilou Lab
Classification: Likely benign for Familial Mediterranean fever, autosomal dominant. Last evaluated: 2023-02-08. Review status: criteria provided, single submitter. Criteria: ACMG Guidelines, 2015. Collection method: clinical testing. Allele origin: germline.

Genome-Nilou Lab
Classification: Likely benign for Acute febrile neutrophilic dermatosis. Last evaluated: 2023-02-08. Review status: criteria provided, single submitter. Criteria: ACMG Guidelines, 2015. Collection method: clinical testing. Allele origin: germline.

Women's Health and Genetics/Laboratory Corporation of America, LabCorp
Classification: Likely benign. Last evaluated: 2021-11-15. Review status: criteria provided, single submitter. Criteria: LabCorp Variant Classification Summary - May 2015. Collection method: clinical testing. Allele origin: germline.

GeneDx
Classification: Likely benign. Last evaluated: 2018-05-22. Review status: criteria provided, single submitter. Criteria: GeneDx Variant Classification (06012015). Collection method: clinical testing. Allele origin: germline. Affected: yes.
Comment: This variant is considered likely benign or benign based on one or more of the following criteria: it is a conservative change, it occurs at a poorly conserved position in the protein, it is predicted to be benign by multiple in silico algorithms, and/or has population frequency not consistent with disease.

Natera, Inc.
Classification: Likely benign for Familial Mediterranean fever. Last evaluated: 2020-04-25. Review status: no assertion criteria provided. Collection method: clinical testing. Allele origin: germline. Not counted in ClinVar's aggregate classification.

Unité médicale des maladies autoinflammatoires, CHRU Montpellier
No classification provided. Condition: Familial Mediterranean fever. Review status: no classification provided. Collection method: not provided. Allele origin: unknown. Not counted in ClinVar's aggregate classification.

NM_000243.3(MEFV):c.1827C>G (p.Pro609=)

Genes: MEFV (MEFV innate immunity regulator, pyrin; minus strand), LOC126862264 (CDK7 strongly-dependent group 2 enhancer GRCh37_chr16:3293322-3294521; plus strand). Cytogenetic location: 16p13.3.
Variant type: single nucleotide variant.
Coding change: c.1827C>G on transcript NM_000243.3 (MANE Select); coding-DNA position 1827, C replaced by G.
Protein change: p.Pro609=; no amino-acid change (proline 609 retained).
Molecular consequence: synonymous variant. On other transcripts: 3 prime UTR variant (1).
Genome position (GRCh38, 1-based): chr16:3,243,660, G>C on the plus strand (C>G on the coding strand, the complement: MEFV is on the minus strand). VCF-style: chr16-3243660-G-C. GRCh37 (hg19) VCF-style: chr16-3293660-G-C.
Other names: c.*31C>G (NM_001198536.2).
Identifiers: ClinVar variation 97466 (VCV000097466.17), dbSNP rs104895135, ClinGen allele CA280456.